The following is an entry in ClinVar:

ClinVar aggregate classification (germline): Uncertain significance. Review status: criteria provided, multiple submitters, no conflicts (2 of 4 stars). 5 submissions from 5 submitters: Uncertain significance (5). Last evaluated 2024-09-09.

Conditions:
Inborn genetic diseases. Identifiers: MedGen C0950123, MeSH D030342.
Combined immunodeficiency due to DOCK8 deficiency (HIES2). Also called: HIES autosomal recessive; Hyper-IgE recurrent infection syndrome, autosomal recessive; HYPER-IgE RECURRENT INFECTION SYNDROME 2, AUTOSOMAL RECESSIVE; DOCK8 Deficiency; HYPER-IgE SYNDROME 2, AUTOSOMAL RECESSIVE, WITH RECURRENT INFECTIONS. Identifiers: Orphanet 217390, MedGen C4722305, MONDO:0009478, OMIM 243700.

Allele frequency attached by ClinVar (database versions not stated): gnomAD 0.00024 and 0.00026; TOPMed 0.00032; ESP Exome Variant Server 0.00054.
gnomAD v4.1: 88 of 1,613,408 alleles (0.0055%); highest among the groups gnomAD compares: African/African-American, 0.087%; no homozygotes.

Submissions (5):

Blueprint Genetics
Classification: Uncertain significance. Last evaluated: 2024-09-09. Review status: criteria provided, single submitter. Criteria: ACMG Guidelines, 2015. Collection method: clinical testing. Allele origin: germline.

Fulgent Genetics
Classification: Uncertain significance for Combined immunodeficiency due to DOCK8 deficiency. Last evaluated: 2024-05-10. Review status: criteria provided, single submitter. Criteria: ACMG Guidelines, 2015. Collection method: clinical testing. Allele origin: germline.

Ambry Genetics
Classification: Uncertain significance for Inborn genetic diseases. Last evaluated: 2021-10-27. Review status: criteria provided, single submitter. Criteria: Ambry Variant Classification Scheme 2023. Collection method: clinical testing. Allele origin: germline.

Labcorp Genetics (formerly Invitae), Labcorp
Classification: Uncertain significance for Combined immunodeficiency due to DOCK8 deficiency. Last evaluated: 2021-08-30. Review status: criteria provided, single submitter. Criteria: Invitae Variant Classification Sherloc (09022015). Collection method: clinical testing. Allele origin: germline.
Comment: This sequence change replaces alanine with valine at codon 1736 of the DOCK8 protein (p.Ala1736Val). The alanine residue is moderately conserved and there is a small physicochemical difference between alanine and valine. This variant is present in population databases (rs139990627, ExAC 0.1%). This variant has not been reported in the literature in individuals affected with DOCK8-related conditions. Algorithms developed to predict the effect of missense changes on protein structure and function (SIFT, PolyPhen-2, Align-GVGD) all suggest that this variant is likely to be tolerated. In summary, the available evidence is currently insufficient to determine the role of this variant in disease. Therefore, it has been classified as a Variant of Uncertain Significance.

Illumina Laboratory Services, Illumina
Classification: Uncertain significance for Combined immunodeficiency due to DOCK8 deficiency. Last evaluated: 2018-01-12. Review status: criteria provided, single submitter. Criteria: ICSL Variant Classification Criteria 13 December 2019. Collection method: clinical testing. Allele origin: germline.

NM_203447.4(DOCK8):c.5207C>T (p.Ala1736Val)

Gene: DOCK8 (dedicator of cytokinesis 8; plus strand). Cytogenetic location: 9p24.3.
Variant type: single nucleotide variant.
Coding change: c.5207C>T on transcript NM_203447.4 (MANE Select); coding-DNA position 5207, C replaced by T.
Protein change: p.Ala1736Val; replaces alanine 1736 with valine.
Molecular consequence: missense variant.
Genome position (GRCh38, 1-based): chr9:439,372, C>T. VCF-style: chr9-439372-C-T. GRCh37 (hg19) VCF-style: chr9-439372-C-T.
Other names: c.4907C>T, p.Ala1636Val (NM_001190458.2); c.5003C>T, p.Ala1668Val (NM_001193536.2); short protein forms A1636V, A1736V, A1668V.
Identifiers: ClinVar variation 914531 (VCV000914531.13), dbSNP rs139990627, ClinGen allele CA4959340.